The following is an entry in ClinVar:

ClinVar aggregate classification (germline): Uncertain significance (1 of 4 stars; one submission).

Allele frequency attached by ClinVar (database versions not stated): ExAC 0.00001; ESP Exome Variant Server 0.00008.

Submission:

Labcorp Genetics (formerly Invitae), Labcorp
Classification: Uncertain significance. Last evaluated: 2022-03-12. Review status: criteria provided, single submitter. Criteria: Invitae Variant Classification Sherloc (09022015). Collection method: clinical testing. Allele origin: germline.
Comment: In summary, the available evidence is currently insufficient to determine the role of this variant in disease. Therefore, it has been classified as a Variant of Uncertain Significance. Algorithms developed to predict the effect of missense changes on protein structure and function are either unavailable or do not agree on the potential impact of this missense change (SIFT: "Deleterious"; PolyPhen-2: "Possibly Damaging"; Align-GVGD: "Class C0"). This variant has not been reported in the literature in individuals affected with PRDM13-related conditions. This variant is present in population databases (rs368251086, gnomAD 0.007%). This sequence change replaces proline, which is neutral and non-polar, with serine, which is neutral and polar, at codon 89 of the PRDM13 protein (p.Pro89Ser).

NM_021620.4(PRDM13):c.265C>T (p.Pro89Ser)

Gene: PRDM13 (PR/SET domain 13; plus strand). Cytogenetic location: 6q16.2.
Variant type: single nucleotide variant.
Coding change: c.265C>T on transcript NM_021620.4 (MANE Select); coding-DNA position 265, C replaced by T.
Protein change: p.Pro89Ser; replaces proline 89 with serine.
Molecular consequence: missense variant.
Genome position (GRCh38, 1-based): chr6:99,608,861, C>T. VCF-style: chr6-99608861-C-T. GRCh37 (hg19) VCF-style: chr6-100056737-C-T.
Other names: short protein forms P89S.
Identifiers: ClinVar variation 1961532 (VCV001961532.5), dbSNP rs368251086, ClinGen allele CA3936138.
Genomic context (GRCh38, chr6:99,608,861, plus strand): 5'-GGGTTAATCCGGGCAGCCAGAAACTCCCAGGAACAGACTCTGGAAGCTATTGCAGACTTA[C>T]CCGGAGGACAGGTACTGCGGGCTTCTCTCCACACCCCCCCACTCCCCACCGCCAATTCAG-3'
Protein context (NP_067633.2, residues 79-99): EQTLEAIADL[Pro89Ser]GGQIFYRALR